The following is an entry in ClinVar:

ClinVar aggregate classification (germline): Pathogenic/Likely pathogenic. Review status: criteria provided, multiple submitters, no conflicts (2 of 4 stars). 2 submissions from 2 submitters: Pathogenic (1); Likely pathogenic (1). Last evaluated 2021-06-30.

Conditions:
Alstrom syndrome (ALMS). Identifiers: Orphanet 64, MedGen C0268425, MONDO:0008763, OMIM 203800.
ALMS1-related disorder. Also called: ALMS1-related condition.

Submissions (2):

Blueprint Genetics
Classification: Likely pathogenic for ALMS1-related disorders. Last evaluated: 2021-06-30. Review status: criteria provided, single submitter. Criteria: ACMG Guidelines, 2015. Collection method: clinical testing. Allele origin: germline. Affected: yes. Observed: 1 variant allele.

Labcorp Genetics (formerly Invitae), Labcorp
Classification: Pathogenic for Alstrom syndrome. Last evaluated: 2021-06-10. Review status: criteria provided, single submitter. Criteria: Invitae Variant Classification Sherloc (09022015). Collection method: clinical testing. Allele origin: germline.
Comment: For these reasons, this variant has been classified as Pathogenic. This variant has not been reported in the literature in individuals with ALMS1-related conditions. This sequence change creates a premature translational stop signal (p.Gly2856*) in the ALMS1 gene. It is expected to result in an absent or disrupted protein product. Loss-of-function variants in ALMS1 are known to be pathogenic (PMID: 17594715). This variant is not present in population databases (ExAC no frequency).

Literature cited by the submitters: PubMed 17594715 (cited by Labcorp Genetics (formerly Invitae), Labcorp).

NM_001378454.1(ALMS1):c.8563G>T (p.Gly2855Ter)

Gene: ALMS1 (ALMS1 centrosome and basal body associated protein; plus strand). Cytogenetic location: 2p13.1.
Variant type: single nucleotide variant.
Coding change: c.8563G>T on transcript NM_001378454.1 (MANE Select); coding-DNA position 8563, G replaced by T.
Protein change: p.Gly2855Ter; replaces glycine 2855 with a stop codon.
Molecular consequence: nonsense.
Genome position (GRCh38, 1-based): chr2:73,490,522, G>T. VCF-style: chr2-73490522-G-T. GRCh37 (hg19) VCF-style: chr2-73717649-G-T.
Other names: c.8566G>T, p.Gly2856Ter (NM_015120.4); short protein forms G2856*, G2855*.
Identifiers: ClinVar variation 945189 (VCV000945189.8), dbSNP rs1672957185, ClinGen allele CA347269419.